The following is an entry in ClinVar:

ClinVar aggregate classification (germline): Pathogenic. Review status: criteria provided, multiple submitters, no conflicts (2 of 4 stars). 4 submissions from 4 submitters: Pathogenic (4). Last evaluated 2025-01-15.

Conditions:
Hereditary cancer-predisposing syndrome. Also called: Tumor predisposition; Neoplastic Syndromes, Hereditary; Hereditary neoplastic syndrome; Hereditary Cancer Syndrome. Identifiers: Orphanet 140162, MedGen C0027672, MeSH D009386, MONDO:0015356.
Ataxia-telangiectasia syndrome (AT). Also called: Ataxia-telangiectasia, complementation group D; AT, COMPLEMENTATION GROUP C; ATAXIA-TELANGIECTASIA, COMPLEMENTATION GROUP A; ATAXIA-TELANGIECTASIA, FRESNO VARIANT; Ataxia-telangiectasia; Ataxia telangiectasia (A-T). Identifiers: Orphanet 100, MedGen C0004135, MONDO:0008840, OMIM 208900.
Familial cancer of breast. Also called: Hereditary breast cancer; hereditary breast carcinoma; BREAST CANCER, FAMILIAL. Identifiers: Orphanet 227535, MedGen C0346153, MONDO:0016419, OMIM 114480. Disease mechanism: loss of function.

Submissions (4):

Ambry Genetics
Classification: Pathogenic for Hereditary cancer-predisposing syndrome. Last evaluated: 2025-01-15. Review status: criteria provided, single submitter. Criteria: Ambry Variant Classification Scheme 2023. Collection method: clinical testing. Allele origin: germline.
Comment: The c.7829_7830delGA pathogenic mutation, located in coding exon 52 of the ATM gene, results from a deletion of two nucleotides at nucleotide positions 7829 to 7830, causing a translational frameshift with a predicted alternate stop codon (p.R2610Kfs*2). This variant has been identified in conjunction with another ATM variant in individual(s) reported to have ataxia telangiectasia, but clinical details were limited (Stankovic T et al. Am J Hum Genet, 1998 Feb;62:334-45). This variant is considered to be rare based on population cohorts in the Genome Aggregation Database (gnomAD). This alteration is expected to result in loss of function by premature protein truncation or nonsense-mediated mRNA decay. As such, this alteration is interpreted as a disease-causing mutation.

Labcorp Genetics (formerly Invitae), Labcorp
Classification: Pathogenic for Ataxia-telangiectasia syndrome. Last evaluated: 2024-07-01. Review status: criteria provided, single submitter. Criteria: Invitae Variant Classification Sherloc (09022015). Collection method: clinical testing. Allele origin: germline.
Comment: This sequence change creates a premature translational stop signal (p.Arg2610Lysfs*2) in the ATM gene. It is expected to result in an absent or disrupted protein product. Loss-of-function variants in ATM are known to be pathogenic (PMID: 23807571, 25614872). This variant is not present in population databases (gnomAD no frequency). This premature translational stop signal has been observed in individual(s) with ataxia-telangiectasia and/or melanoma (PMID: 9463314, 34262154). ClinVar contains an entry for this variant (Variation ID: 924588). Algorithms developed to predict the effect of sequence changes on RNA splicing suggest that this variant may disrupt the consensus splice site. For these reasons, this variant has been classified as Pathogenic.

Myriad Genetics, Inc.
Classification: Pathogenic for Familial cancer of breast. Last evaluated: 2024-02-01. Review status: criteria provided, single submitter. Criteria: Myriad Autosomal Dominant, Autosomal Recessive and X-Linked Classification Criteria (2023). Collection method: clinical testing. Allele origin: unknown.
Comment: This variant is considered pathogenic. This variant creates a frameshift predicted to result in premature protein truncation.

Color Diagnostics, LLC DBA Color Health
Classification: Pathogenic for Hereditary cancer-predisposing syndrome. Last evaluated: 2020-01-15. Review status: criteria provided, single submitter. Criteria: ACMG Guidelines, 2015. Collection method: clinical testing. Allele origin: germline.
Comment: This variant deletes 2 nucleotides in exon 53 of the ATM gene, creating a frameshift and premature translation stop signal. This variant is expected to result in an absent or non-functional protein product. This variant has not been identified in the general population by the Genome Aggregation Database (gnomAD). Loss of ATM function is a known mechanism of disease. Based on the available evidence, this variant is classified as Pathogenic.

Literature cited by the submitters: PubMed 9463314 (cited by Ambry Genetics and Labcorp Genetics (formerly Invitae), Labcorp); PubMed 23807571 (cited by Labcorp Genetics (formerly Invitae), Labcorp); PubMed 25614872 (cited by Labcorp Genetics (formerly Invitae), Labcorp); PubMed 34262154 (cited by Labcorp Genetics (formerly Invitae), Labcorp).

NM_000051.4(ATM):c.7829_7830del (p.Arg2610fs)

Genes: ATM (ATM serine/threonine kinase; plus strand), C11orf65 (chromosome 11 open reading frame 65; minus strand). Cytogenetic location: 11q22.3.
Variant type: Deletion.
Coding change: c.7829_7830del on transcript NM_000051.4 (MANE Select); coding-DNA positions 7829 to 7830, 2 bases deleted (GA; older notation c.7829_7830delGA).
Protein change: p.Arg2610fs; shifts the reading frame from arginine 2610.
Molecular consequence: frameshift variant. On other transcripts: intron variant (2).
Genome position (GRCh38, 1-based): chr11:108,332,802-108,332,803, GA deleted; deleting any 2 consecutive bases within chr11:108,332,801-108,332,803 gives the same sequence; the c. name uses the placement nearest the transcript's 3' end. VCF-style (leftmost placement, unchanged base first): chr11-108332800-CAG-C. GRCh37 (hg19) VCF-style: chr11-108203527-CAG-C.
Other names: c.7829_7830delGA, p.Arg2610Lysfs (NM_000051.3); c.7829_7830del, p.Arg2610fs (NM_001351834.2); c.641-23731_641-23730del (NM_001330368.2); c.*38+2418_*38+2419del (NM_001351110.2); short protein forms R2610fs.
Identifiers: ClinVar variation 924588 (VCV000924588.9), dbSNP rs2086410142, ClinGen allele CA891842115.